The following is an entry in ClinVar:

ClinVar aggregate classification (germline): Uncertain significance (1 of 4 stars; one submission).

Conditions:
RYR1-related disorder. Also called: RYR1-related condition; RYR1-related disorders. Identifiers: MedGen CN239331.

Submission:

Labcorp Genetics (formerly Invitae), Labcorp
Classification: Uncertain significance for RYR1-related disorder. Last evaluated: 2025-06-10. Review status: criteria provided, single submitter. Criteria: Invitae Variant Classification Sherloc (09022015). Collection method: clinical testing. Allele origin: germline.
Comment: This sequence change replaces methionine, which is neutral and non-polar, with threonine, which is neutral and polar, at codon 4955 of the RYR1 protein (p.Met4955Thr). This variant is not present in population databases (gnomAD no frequency). This variant has not been reported in the literature in individuals affected with RYR1-related conditions. Invitae Evidence Modeling of protein sequence and biophysical properties (such as structural, functional, and spatial information, amino acid conservation, physicochemical variation, residue mobility, and thermodynamic stability) indicates that this missense variant is expected to disrupt RYR1 protein function with a positive predictive value of 80%. In summary, the available evidence is currently insufficient to determine the role of this variant in disease. Therefore, it has been classified as a Variant of Uncertain Significance.

NM_000540.3(RYR1):c.14864T>C (p.Met4955Thr)

Gene: RYR1 (ryanodine receptor 1; plus strand). Cytogenetic location: 19q13.2.
Variant type: single nucleotide variant.
Coding change: c.14864T>C on transcript NM_000540.3 (MANE Select); coding-DNA position 14864, T replaced by C.
Protein change: p.Met4955Thr; replaces methionine 4955 with threonine.
Molecular consequence: missense variant.
Genome position (GRCh38, 1-based): chr19:38,585,998, T>C. VCF-style: chr19-38585998-T-C. GRCh37 (hg19) VCF-style: chr19-39076638-T-C.
Other names: c.14849T>C, p.Met4950Thr (NM_001042723.2); short protein forms M4950T, M4955T.
Identifiers: ClinVar variation 4802142 (VCV004802142.1).
Genomic context (GRCh38, chr19:38,585,998, plus strand): 5'-GTCTGATCATCGACGCTTTTGGTGAGCTCCGAGACCAACAAGAGCAAGTGAAGGAGGATA[T>C]GGAGGTAGGTCATGTCTGGGGGTGACCCAGAGGGATTACGGGATTCAGGGGGTCAAGTGG-3'
Protein context (NP_000531.2, residues 4945-4965): RDQQEQVKED[Met4955Thr]ETKCFICGIG